The following is an entry in ClinVar:

NM_207361.6(FREM2):c.253C>T (p.Arg85Cys)

Gene: FREM2 (FRAS1 related extracellular matrix 2; plus strand). Cytogenetic location: 13q13.3.
Variant type: single nucleotide variant.
Coding change: c.253C>T on transcript NM_207361.6 (MANE Select); coding-DNA position 253, C replaced by T.
Protein change: p.Arg85Cys; replaces arginine 85 with cysteine.
Molecular consequence: missense variant.
Genome position (GRCh38, 1-based): chr13:38,687,597, C>T. VCF-style: chr13-38687597-C-T. GRCh37 (hg19) VCF-style: chr13-39261734-C-T.
Other names: short protein forms R85C.
Identifiers: ClinVar variation 1421158 (VCV001421158.6), dbSNP rs975501544, ClinGen allele CA387881847.
Genomic context (GRCh38, chr13:38,687,597, plus strand): 5'-GGGGTCCCTGCTGAGGAGGCCATAGTGCTGGCGAACCGCGGACTCCGGGTGCCTTTCGGC[C>T]GTGAAGTCTGGCTGGATCCCCTGCATGACCTGGTGTTGCAGGTGCAGCCCGGGGACCGCT-3'
Protein context (NP_997244.4, residues 75-95): ANRGLRVPFG[Arg85Cys]EVWLDPLHDL

ClinVar aggregate classification (germline): Uncertain significance (1 of 4 stars; one submission).

Submission:

Labcorp Genetics (formerly Invitae), Labcorp
Classification: Uncertain significance. Last evaluated: 2021-10-15. Review status: criteria provided, single submitter. Criteria: Invitae Variant Classification Sherloc (09022015). Collection method: clinical testing. Allele origin: germline.
Comment: In summary, the available evidence is currently insufficient to determine the role of this variant in disease. Therefore, it has been classified as a Variant of Uncertain Significance. Algorithms developed to predict the effect of missense changes on protein structure and function are either unavailable or do not agree on the potential impact of this missense change (SIFT: "Deleterious"; PolyPhen-2: "Probably Damaging"; Align-GVGD: "Class C0"). This variant has not been reported in the literature in individuals affected with FREM2-related conditions. This variant is not present in population databases (ExAC no frequency). This sequence change replaces arginine with cysteine at codon 85 of the FREM2 protein (p.Arg85Cys). The arginine residue is moderately conserved and there is a large physicochemical difference between arginine and cysteine.